The following is an entry in ClinVar:

NM_014905.5(GLS):c.1980C>T (p.Thr660=)

Gene: GLS (glutaminase; plus strand). Cytogenetic location: 2q32.2.
Variant type: single nucleotide variant.
Coding change: c.1980C>T on transcript NM_014905.5 (MANE Select); coding-DNA position 1980, C replaced by T.
Protein change: p.Thr660=; no amino-acid change (threonine 660 retained).
Molecular consequence: synonymous variant. On other transcripts: missense variant (1).
Genome position (GRCh38, 1-based): chr2:190,962,956, C>T. VCF-style: chr2-190962956-C-T. GRCh37 (hg19) VCF-style: chr2-191827682-C-T.
Other names: c.1916C>T, p.Pro639Leu (NM_001437282.1); short protein forms P639L.
Identifiers: ClinVar variation 4872421 (VCV004872421.2).

ClinVar aggregate classification (germline): Likely benign (1 of 4 stars; one submission).

gnomAD v4.1: 22 of 1,608,522 alleles (0.0014%); highest among the groups gnomAD compares: South Asian, 0.0044%; no homozygotes.

Submission:

CeGaT Center for Human Genetics Tuebingen
Classification: Likely benign. Last evaluated: 2026-06-01. Review status: criteria provided, single submitter. Criteria: CeGaT Center For Human Genetics Tuebingen Variant Classification Criteria Version 2. Collection method: clinical testing. Allele origin: germline. Affected: yes. Observed: 1 variant allele.
Comment: GLS: BP4, BP7